The following is an entry in ClinVar:

ClinVar aggregate classification (germline): Benign. Review status: criteria provided, multiple submitters, no conflicts (2 of 4 stars). 2 submissions from 2 submitters: Benign (2). Last evaluated 2018-06-19.

Allele frequency attached by ClinVar (database versions not stated): 1000 Genomes Project 0.06190; 1000 Genomes Project 30x 0.06246; TOPMed 0.06774.
gnomAD v4.1: 99,799 of 1,306,894 alleles (7.6%); highest among the groups gnomAD compares: Middle Eastern, 12%; 4,192 homozygotes.

Submissions (2):

GeneDx
Classification: Benign. Last evaluated: 2018-06-19. Review status: criteria provided, single submitter. Criteria: GeneDx Variant Classification (06012015). Collection method: clinical testing. Allele origin: germline. Affected: yes.
Comment: This variant is considered likely benign or benign based on one or more of the following criteria: it is a conservative change, it occurs at a poorly conserved position in the protein, it is predicted to be benign by multiple in silico algorithms, and/or has population frequency not consistent with disease.

Breakthrough Genomics
Classification: Benign. Review status: criteria provided, single submitter. Criteria: ACMG Guidelines, 2015. Collection method: not provided. Allele origin: germline. Inheritance: Autosomal recessive inheritance. Affected: yes.

NM_020191.4(MRPS22):c.504+92C>T

Gene: MRPS22 (mitochondrial ribosomal protein S22; plus strand). Cytogenetic location: 3q23.
Variant type: single nucleotide variant.
Coding change: c.504+92C>T on transcript NM_020191.4 (MANE Select); 92 bases into the intron after coding-DNA position 504, C replaced by T.
Molecular consequence: intron variant.
Genome position (GRCh38, 1-based): chr3:139,348,416, C>T. VCF-style: chr3-139348416-C-T. GRCh37 (hg19) VCF-style: chr3-139067258-C-T.
Other names: c.501+92C>T (NM_001363893.1); c.381+92C>T (NM_001363857.1).
Identifiers: ClinVar variation 676317 (VCV000676317.2), dbSNP rs77869711, ClinGen allele CA15227794.
Genomic context (GRCh38, chr3:139,348,416, plus strand): 5'-TCTTTGAAATACTATGTGGAGAAGGGCTTGAGAGATGATGTGACCTGGCTGTCTCTGATG[C>T]GTCCAAACCAGATTTCCTCTGACTGGGTGAGACCCTTCTGGAAGATATACTATATGAGGG-3'